The following is an entry in ClinVar:

NM_002025.4(AFF2):c.3697G>A (p.Val1233Ile)

Gene: AFF2 (ALF transcription elongation factor 2; plus strand). Cytogenetic location: Xq28.
Variant type: single nucleotide variant.
Coding change: c.3697G>A on transcript NM_002025.4 (MANE Select); coding-DNA position 3697, G replaced by A.
Protein change: p.Val1233Ile; replaces valine 1233 with isoleucine.
Molecular consequence: missense variant.
Genome position (GRCh38, 1-based): chrX:148,987,440, G>A. VCF-style: chrX-148987440-G-A. GRCh37 (hg19) VCF-style: chrX-148068970-G-A.
Other names: c.3592G>A, p.Val1198Ile (NM_001169122.2, NM_001169124.2); c.3667G>A, p.Val1223Ile (NM_001169123.2); c.3580G>A, p.Val1194Ile (NM_001169125.2); c.2620G>A, p.Val874Ile (NM_001170628.1); short protein forms V1233I, V1198I, V1194I, V874I, V1223I.
Identifiers: ClinVar variation 434100 (VCV000434100.7), dbSNP rs1557291713, ClinGen allele CA414516304.

ClinVar aggregate classification (germline): Uncertain significance. Review status: criteria provided, multiple submitters, no conflicts (2 of 4 stars). 2 submissions from 2 submitters: Uncertain significance (2). Last evaluated 2022-05-19.

gnomAD v4.1: 1 of 1,211,154 alleles (0.000083%); no homozygotes.

Submissions (2):

GeneDx
Classification: Uncertain significance. Last evaluated: 2022-05-19. Review status: criteria provided, single submitter. Criteria: GeneDx Variant Classification Process June 2021. Collection method: clinical testing. Allele origin: germline. Affected: yes.
Comment: Not observed at significant frequency in large population cohorts (gnomAD); In silico analysis supports that this missense variant does not alter protein structure/function; Has not been previously published as pathogenic or benign to our knowledge

Genetic Services Laboratory, University of Chicago
Classification: Uncertain significance. Last evaluated: 2016-11-22. Review status: criteria provided, single submitter. Criteria: ACMG Guidelines, 2015. Collection method: clinical testing. Allele origin: germline. Affected: no.